The following is an entry in ClinVar:

ClinVar aggregate classification (germline): Uncertain significance. Review status: criteria provided, multiple submitters, no conflicts (2 of 4 stars). 2 submissions from 2 submitters: Uncertain significance (2). Last evaluated 2025-01-06.

Conditions:
Candidiasis, familial, 9 (CANDF9). Identifiers: Orphanet 1334, MedGen C4225324, MONDO:0014642, OMIM 616445.

Allele frequency attached by ClinVar (database versions not stated): gnomAD 0.00001; ExAC 0.00002; gnomAD exomes 0.00002.
gnomAD v4.1: 15 of 1,611,070 alleles (0.00093%); highest among the groups gnomAD compares: South Asian, 0.015%; no homozygotes.

Submissions (2):

Labcorp Genetics (formerly Invitae), Labcorp
Classification: Uncertain significance for Candidiasis, familial, 9. Last evaluated: 2025-01-06. Review status: criteria provided, single submitter. Criteria: Invitae Variant Classification Sherloc (09022015). Collection method: clinical testing. Allele origin: germline.
Comment: This sequence change replaces glutamic acid, which is acidic and polar, with lysine, which is basic and polar, at codon 363 of the IL17RC protein (p.Glu363Lys). This variant is present in population databases (rs757239649, gnomAD 0.01%). This variant has not been reported in the literature in individuals affected with IL17RC-related conditions. ClinVar contains an entry for this variant (Variation ID: 2103030). An algorithm developed to predict the effect of missense changes on protein structure and function outputs the following: PolyPhen-2: "Benign". The lysine amino acid residue is found in multiple mammalian species, which suggests that this missense change does not adversely affect protein function. In summary, the available evidence is currently insufficient to determine the role of this variant in disease. Therefore, it has been classified as a Variant of Uncertain Significance.

Ambry Genetics
Classification: Uncertain significance. Last evaluated: 2021-07-09. Review status: criteria provided, single submitter. Criteria: Ambry Variant Classification Scheme 2023. Collection method: clinical testing. Allele origin: germline.

NM_153460.4(IL17RC):c.874G>A (p.Glu292Lys)

Gene: IL17RC (interleukin 17 receptor C; plus strand). Cytogenetic location: 3p25.3.
Variant type: single nucleotide variant.
Coding change: c.874G>A on transcript NM_153460.4 (MANE Select); coding-DNA position 874, G replaced by A.
Protein change: p.Glu292Lys; replaces glutamic acid 292 with lysine.
Molecular consequence: missense variant. On other transcripts: non-coding transcript variant (1).
Genome position (GRCh38, 1-based): chr3:9,928,217, G>A. VCF-style: chr3-9928217-G-A. GRCh37 (hg19) VCF-style: chr3-9969901-G-A.
Other names: c.874G>A, p.Glu292Lys (NM_001203263.2, NM_001203264.2); c.829G>A, p.Glu277Lys (NM_001203265.2, NM_001367280.1, NM_001410711.1 and 1 more transcripts); c.835G>A, p.Glu279Lys (NM_001367278.1); c.754G>A, p.Glu252Lys (NM_001367279.1); c.1087G>A, p.Glu363Lys (NM_153461.4); short protein forms E292K, E279K, E252K, E277K, E363K.
Identifiers: ClinVar variation 2103030 (VCV002103030.5), dbSNP rs757239649, ClinGen allele CA2247025.
Genomic context (GRCh38, chr3:9,928,217, plus strand): 5'-CCTTTCCAGGTGTGGCCTCTGGAACCTGACTCCGTTAGGACGAACATCTGCCCCTTCAGG[G>A]AGGGTGAGCCGACCGGCCTGGGGCTGGGGTTGGGGTGTTGCGAGCGATGGGTACCTGGCC-3'
Protein context (NP_703190.2, residues 282-302): SVRTNICPFR[Glu292Lys]DPRAHQNLWQ